The following is an entry in ClinVar:

ClinVar aggregate classification (germline): Conflicting classifications of pathogenicity. Review status: criteria provided, conflicting classifications (1 of 4 stars). 2 submissions from 2 submitters: Uncertain significance (1); Likely benign (1). Last evaluated 2025-08-12.

Conditions:
Cardiovascular phenotype. Identifiers: MedGen CN230736.
Brugada syndrome. Also called: Sudden unexpected nocturnal death syndrome; Sudden unexplained nocturnal death syndrome; Sudden Unexplained Death Syndrome; Sudden Unexplained Nocturnal Death Syndrome (SUNDS). Identifiers: Orphanet 130, MedGen C1142166, MONDO:0015263.

Allele frequency attached by ClinVar (database versions not stated): TOPMed 0.00007; gnomAD 0.00009; gnomAD exomes 0.00010 and 0.00024; ExAC 0.00035.
gnomAD v4.1: 157 of 1,592,288 alleles (0.0099%); highest among the groups gnomAD compares: Admixed American, 0.017%; no homozygotes.

Submissions (2):

Ambry Genetics
Classification: Likely benign for Cardiovascular phenotype. Last evaluated: 2025-08-12. Review status: criteria provided, single submitter. Criteria: Ambry Variant Classification Scheme 2023. Collection method: clinical testing. Allele origin: germline.

Labcorp Genetics (formerly Invitae), Labcorp
Classification: Uncertain significance for Brugada syndrome. Last evaluated: 2025-08-06. Review status: criteria provided, single submitter. Criteria: Invitae Variant Classification Sherloc (09022015). Collection method: clinical testing. Allele origin: germline.
Comment: This sequence change replaces alanine, which is neutral and non-polar, with threonine, which is neutral and polar, at codon 687 of the CACNA2D1 protein (p.Ala687Thr). This variant is present in population databases (rs751204853, gnomAD 0.04%). This variant has not been reported in the literature in individuals affected with CACNA2D1-related conditions. ClinVar contains an entry for this variant (Variation ID: 1511231). An algorithm developed to predict the effect of missense changes on protein structure and function outputs the following: PolyPhen-2: "Benign". The threonine amino acid residue is found in multiple mammalian species, which suggests that this missense change does not adversely affect protein function. In summary, the available evidence is currently insufficient to determine the role of this variant in disease. Therefore, it has been classified as a Variant of Uncertain Significance.

NM_000722.4(CACNA2D1):c.2059G>A (p.Ala687Thr)

Gene: CACNA2D1 (calcium voltage-gated channel auxiliary subunit alpha2delta 1; minus strand). Cytogenetic location: 7q21.11.
Variant type: single nucleotide variant.
Coding change: c.2059G>A on transcript NM_000722.4 (MANE Select); coding-DNA position 2059, G replaced by A.
Protein change: p.Ala687Thr; replaces alanine 687 with threonine.
Molecular consequence: missense variant.
Genome position (GRCh38, 1-based): chr7:81,971,859, C>T on the plus strand (G>A on the coding strand, the complement: CACNA2D1 is on the minus strand). VCF-style: chr7-81971859-C-T. GRCh37 (hg19) VCF-style: chr7-81601175-C-T.
Other names: c.2095G>A, p.Ala699Thr (NM_001366867.1); short protein forms A687T, A699T.
Identifiers: ClinVar variation 1511231 (VCV001511231.9), dbSNP rs751204853, ClinGen allele CA4317755.